The following is an entry in ClinVar:

ClinVar aggregate classification (germline): Uncertain significance (1 of 4 stars; one submission).

gnomAD v4.1: 2 of 1,614,020 alleles (0.00012%); highest among the groups gnomAD compares: East Asian, 0.0045%; no homozygotes.

Submission:

CeGaT Center for Human Genetics Tuebingen
Classification: Uncertain significance. Last evaluated: 2026-04-01. Review status: criteria provided, single submitter. Criteria: CeGaT Center For Human Genetics Tuebingen Variant Classification Criteria Version 2. Collection method: clinical testing. Allele origin: germline. Affected: yes. Observed: 1 variant allele.
Comment: NFKB2: PM2, BP4

NM_001322934.2(NFKB2):c.766+8T>C

Gene: NFKB2 (nuclear factor kappa B subunit 2; plus strand). Cytogenetic location: 10q24.32.
Variant type: single nucleotide variant.
Coding change: c.766+8T>C on transcript NM_001322934.2 (MANE Select); 8 bases into the intron after coding-DNA position 766, T replaced by C.
Molecular consequence: intron variant.
Genome position (GRCh38, 1-based): chr10:102,398,093, T>C. VCF-style: chr10-102398093-T-C. GRCh37 (hg19) VCF-style: chr10-104157850-T-C.
Other names: c.766+8T>C (NM_001288724.1, NM_001322935.1, NM_001077494.3 and 2 more transcripts).
Identifiers: ClinVar variation 4874530 (VCV004874530.2).
Genomic context (GRCh38, chr10:102,398,093, plus strand): 5'-CTCTGTGCGGGGTGGAGATGAAGTTTATCTGCTTTGTGACAAGGTGCAGAAAGGTGAGAC[T>C]GGAGCCCACTTTGGGCACCAAGGACATCGAGTATAAGACTGGGGCCAGGGAAGCTCTAGG-3'